The following is an entry in ClinVar:

ClinVar aggregate classification (germline): Conflicting classifications of pathogenicity. Review status: criteria provided, conflicting classifications (1 of 4 stars). 4 submissions from 4 submitters: Uncertain significance (2); Likely benign (1). 1 of the submissions does not count toward it. Last evaluated 2026-01-30.

Conditions:
KLHL41-related disorder. Also called: KLHL41-related condition.
Nemaline myopathy 9 (NEM9). Identifiers: MedGen C3810384, MONDO:0014326, OMIM 615731.
Inborn genetic diseases. Identifiers: MedGen C0950123, MeSH D030342.

Allele frequency attached by ClinVar (database versions not stated): ExAC 0.00013; gnomAD 0.00016 and 0.00017; TOPMed 0.00018; gnomAD exomes 0.00023 and 0.00031; ESP Exome Variant Server 0.00031.

Submissions (4):

Labcorp Genetics (formerly Invitae), Labcorp
Classification: Likely benign for Nemaline myopathy 9. Last evaluated: 2026-01-30. Review status: criteria provided, single submitter. Criteria: Invitae Variant Classification Sherloc (09022015). Collection method: clinical testing. Allele origin: germline.

Blueprint Genetics
Classification: Uncertain significance. Last evaluated: 2024-09-18. Review status: criteria provided, single submitter. Criteria: ACMG Guidelines, 2015. Collection method: clinical testing. Allele origin: germline.

Ambry Genetics
Classification: Uncertain significance for Inborn genetic diseases. Last evaluated: 2023-02-16. Review status: criteria provided, single submitter. Criteria: Ambry Variant Classification Scheme 2023. Collection method: clinical testing. Allele origin: germline.

PreventionGenetics, part of Exact Sciences
Classification: Likely benign for KLHL41-related condition. Last evaluated: 2023-04-27. Review status: no assertion criteria provided. Collection method: clinical testing. Allele origin: germline. Not counted in ClinVar's aggregate classification.
Comment: This variant is classified as likely benign based on ACMG/AMP sequence variant interpretation guidelines (Richards et al. 2015 PMID: 25741868, with internal and published modifications).

NM_006063.3(KLHL41):c.832G>A (p.Val278Met)

Gene: KLHL41 (kelch like family member 41; plus strand). Cytogenetic location: 2q31.1.
Variant type: single nucleotide variant.
Coding change: c.832G>A on transcript NM_006063.3 (MANE Select); coding-DNA position 832, G replaced by A.
Protein change: p.Val278Met; replaces valine 278 with methionine.
Molecular consequence: missense variant.
Genome position (GRCh38, 1-based): chr2:169,510,610, G>A. VCF-style: chr2-169510610-G-A. GRCh37 (hg19) VCF-style: chr2-170367120-G-A.
Other names: short protein forms V278M.
Identifiers: ClinVar variation 474876 (VCV000474876.17), dbSNP rs150233736, ClinGen allele CA1956564.
Genomic context (GRCh38, chr2:169,510,610, plus strand): 5'-GCTTTCGCAGGCAAACTCCCAGAACCTAGCAAAAATGCCGCGAAGACTGGGGCTGGTGAG[G>A]TGAATGGTGATGTTGGTGATGAAGATTTACTTCCTGGTTACCTGAATGACATTCCCAGGC-3'
Protein context (NP_006054.2, residues 268-288): KNAAKTGAGE[Val278Met]NGDVGDEDLL